The following is an entry in ClinVar:

NM_019098.5(CNGB3):c.1656C>A (p.Cys552Ter)

Gene: CNGB3 (cyclic nucleotide gated channel subunit beta 3; minus strand). Cytogenetic location: 8q21.3.
Variant type: single nucleotide variant.
Coding change: c.1656C>A on transcript NM_019098.5 (MANE Select); coding-DNA position 1656, C replaced by A.
Protein change: p.Cys552Ter; replaces cysteine 552 with a stop codon.
Molecular consequence: nonsense.
Genome position (GRCh38, 1-based): chr8:86,611,594, G>T on the plus strand (C>A on the coding strand, the complement: CNGB3 is on the minus strand). VCF-style: chr8-86611594-G-T. GRCh37 (hg19) VCF-style: chr8-87623822-G-T.
Other names: short protein forms C552*.
Identifiers: ClinVar variation 5013715 (VCV005013715.1).
Genomic context (GRCh38, chr8:86,611,594, plus strand): 5'-GAAATCCTCAAATGCATTTATTAGTTGTGCATTTGAAAAATAGCATGCACTCACCTTTTT[G>T]CAGACAAAGTCACCAGGCAAATAGAGAACGGATTTCAATCTTAGCAACATGTCATAAATC-3'

ClinVar aggregate classification (germline): Pathogenic (1 of 4 stars; one submission).

Conditions:
Achromatopsia 3 (ACHM3). Also called: ACHROMATOPSIA WITH MYOPIA; PINGELAPESE BLINDNESS; TOTAL COLORBLINDNESS WITH MYOPIA; ROD MONOCHROMACY 1; ROD MONOCHROMATISM 1. Identifiers: Orphanet 49382, MedGen C1849792, MONDO:0009875, OMIM 262300.

Submission:

Myriad Genetics, Inc.
Classification: Pathogenic for Achromatopsia 3. Last evaluated: 2024-11-06. Review status: criteria provided, single submitter. Criteria: Myriad Autosomal Dominant, Autosomal Recessive and X-Linked Classification Criteria (2023). Collection method: clinical testing. Allele origin: unknown.
Comment: NM_019098.4(CNGB3):c.1656C>A(C552*) is expected to be pathogenic in the context of achromatopsia, CNGB3-related. This variant is predicted to lead to an abnormal or absent protein product due to the creation of a premature termination codon in CNGB3, a gene where loss-of-function variants are known to be pathogenic. Please note: this variant was assessed in the context of healthy population screening.